The following is an entry in ClinVar:

ClinVar aggregate classification (germline): Uncertain significance. Review status: criteria provided, multiple submitters, no conflicts (2 of 4 stars). 4 submissions from 4 submitters: Uncertain significance (4). Last evaluated 2024-03-06.

Conditions:
Familial thoracic aortic aneurysm and aortic dissection (TAAD). Also called: Thoracic aortic aneurysms and dissections. Identifiers: Orphanet 91387, MedGen C4707243, MONDO:0019625.
Aortic aneurysm, familial thoracic 4 (AAT4). Also called: AORTIC ANEURYSM/AORTIC DISSECTION AND PATENT DUCTUS ARTERIOSUS. Identifiers: MedGen C1851504, MONDO:0007568, OMIM 132900.

Allele frequency attached by ClinVar (database versions not stated): TOPMed 0.00001.
gnomAD v4.1: 1 of 1,614,084 alleles (0.000062%); no homozygotes.

Submissions (4):

Color Diagnostics, LLC DBA Color Health
Classification: Uncertain significance for Familial thoracic aortic aneurysm and aortic dissection. Last evaluated: 2024-03-06. Review status: criteria provided, single submitter. Criteria: ACMG Guidelines, 2015. Collection method: clinical testing. Allele origin: germline.
Comment: This missense variant replaces alanine with threonine at codon 1564 of the MYH11 protein. Computational prediction is inconclusive regarding the impact of this variant on protein structure and function (internally defined REVEL score threshold 0.5 < inconclusive < 0.7, PMID: 27666373). To our knowledge, functional studies have not been reported for this variant. This variant has not been reported in individuals affected with MYH11-related disorders in the literature. This variant has not been identified in the general population by the Genome Aggregation Database (gnomAD). The available evidence is insufficient to determine the role of this variant in disease conclusively. Therefore, this variant is classified as a Variant of Uncertain Significance.

All of Us Research Program, National Institutes of Health
Classification: Uncertain significance for Familial thoracic aortic aneurysm and aortic dissection. Last evaluated: 2023-04-03. Review status: criteria provided, single submitter. Criteria: ACMG Guidelines, 2015. Collection method: clinical testing. Allele origin: germline. Inheritance: Autosomal dominant inheritance. Observed: 2 variant alleles, 2 heterozygotes.
Comment: This missense variant replaces alanine with threonine at codon 1564 of the MYH11 protein. Computational prediction is inconclusive regarding the impact of this variant on protein structure and function (internally defined REVEL score threshold 0.5 < inconclusive < 0.7, PMID: 27666373). Splice site prediction tools suggest that this variant may not impact RNA splicing. To our knowledge, functional studies have not been performed for this variant. This variant has not been reported in individuals affected with cardiovascular disorders in the literature. This variant has not been identified in the general population by the Genome Aggregation Database (gnomAD). The available evidence is insufficient to determine the role of this variant in disease conclusively. Therefore, this variant is classified as a Variant of Uncertain Significance.

This study involves interpretation of variants in research participants for the purpose of population health screening. Participant phenotype was not available at the time of variant classification. Additional details can be found in publication PMID: 35346344, PMCID: PMC8962531

GeneDx
Classification: Uncertain significance. Last evaluated: 2022-11-01. Review status: criteria provided, single submitter. Criteria: GeneDx Variant Classification Process June 2021. Collection method: clinical testing. Allele origin: germline. Affected: yes.
Comment: Not observed at significant frequency in large population cohorts (gnomAD); In silico analysis supports that this missense variant does not alter protein structure/function; Has not been previously published as pathogenic or benign to our knowledge

Labcorp Genetics (formerly Invitae), Labcorp
Classification: Uncertain significance for Aortic aneurysm, familial thoracic 4. Last evaluated: 2022-05-19. Review status: criteria provided, single submitter. Criteria: Invitae Variant Classification Sherloc (09022015). Collection method: clinical testing. Allele origin: germline.
Comment: This sequence change replaces alanine, which is neutral and non-polar, with threonine, which is neutral and polar, at codon 1564 of the MYH11 protein (p.Ala1564Thr). This variant is not present in population databases (gnomAD no frequency). This variant has not been reported in the literature in individuals affected with MYH11-related conditions. ClinVar contains an entry for this variant (Variation ID: 920761). Algorithms developed to predict the effect of missense changes on protein structure and function are either unavailable or do not agree on the potential impact of this missense change (SIFT: "Deleterious"; PolyPhen-2: "Possibly Damaging"; Align-GVGD: "Class C0"). In summary, the available evidence is currently insufficient to determine the role of this variant in disease. Therefore, it has been classified as a Variant of Uncertain Significance.

NM_002474.3(MYH11):c.4669G>A (p.Ala1557Thr)

Genes: MYH11 (myosin heavy chain 11; minus strand), NDE1 (nudE neurodevelopment protein 1; plus strand). Cytogenetic location: 16p13.11.
Variant type: single nucleotide variant.
Coding change: c.4669G>A on transcript NM_002474.3 (MANE Select); coding-DNA position 4669, G replaced by A.
Protein change: p.Ala1557Thr; replaces alanine 1557 with threonine.
Molecular consequence: missense variant. On other transcripts: intron variant (2).
Genome position (GRCh38, 1-based): chr16:15,720,961, C>T on the plus strand (G>A on the coding strand, the complement: MYH11 is on the minus strand). VCF-style: chr16-15720961-C-T. GRCh37 (hg19) VCF-style: chr16-15814818-C-T.
Other names: c.4690G>A, p.Ala1564Thr (NM_001040113.2, NM_001040114.2); c.4669G>A, p.Ala1557Thr (NM_022844.3); c.948-3230C>T (NM_001143979.2, NM_017668.3); short protein forms A1557T, A1564T.
Identifiers: ClinVar variation 920761 (VCV000920761.8), dbSNP rs2040439329, ClinGen allele CA394854158.
Genomic context (GRCh38, chr16:15,720,961, plus strand): 5'-CGAACTGGCCCTTGAGCGCCTGCATGTTGACTTCCAGCCGCAGTTTGGCGTCCTCCGTGG[C>T]TTGCAGCTCGTCCTCCAGCTCTTCCAGCTGCGTCTTCATCTCCTCCATCTGGGTCTCCAG-3'
Protein context (NP_002465.1, residues 1547-1567): QLEELEDELQ[Ala1557Thr]TEDAKLRLEV